The following is an entry in ClinVar:

ClinVar aggregate classification (germline): Pathogenic (1 of 4 stars; one submission).

Conditions:
Hereditary spastic paraplegia 11. Also called: Spastic Paraplegia 11; Spastic paraplegia, mental retardation and thin corpus callosum; Nakamura Osame syndrome; Autosomal recessive hereditary spastic paraplegia, mental impairment, and thin corpus callosum; SPASTIC PARAPLEGIA, AUTOSOMAL RECESSIVE, COMPLICATED, WITH THIN CORPUS CALLOSUM; SPASTIC PARAPLEGIA, AUTOSOMAL RECESSIVE, WITH MENTAL IMPAIRMENT AND THIN CORPUS CALLOSUM. Identifiers: Orphanet 2822, MedGen C1858479, MONDO:0011445, OMIM 604360.

Submission:

Labcorp Genetics (formerly Invitae), Labcorp
Classification: Pathogenic for Hereditary spastic paraplegia 11. Last evaluated: 2022-04-03. Review status: criteria provided, single submitter. Criteria: Invitae Variant Classification Sherloc (09022015). Collection method: clinical testing. Allele origin: germline.
Comment: This sequence change creates a premature translational stop signal (p.Ala1687Trpfs*5) in the SPG11 gene. It is expected to result in an absent or disrupted protein product. Loss-of-function variants in SPG11 are known to be pathogenic (PMID: 19105190, 20110243, 22154821, 26556829). This variant is not present in population databases (gnomAD no frequency). This variant has not been reported in the literature in individuals affected with SPG11-related conditions. For these reasons, this variant has been classified as Pathogenic.

Literature cited by the submitters: PubMed 19105190; PubMed 20110243; PubMed 22154821; PubMed 26556829.

NM_025137.4(SPG11):c.5058_5061del (p.Ala1687fs)

Gene: SPG11 (SPG11 vesicle trafficking associated, spatacsin; minus strand). Cytogenetic location: 15q21.1.
Variant type: Deletion.
Coding change: c.5058_5061del on transcript NM_025137.4 (MANE Select); coding-DNA positions 5058 to 5061, 4 bases deleted (CGCT; older notation c.5058_5061delCGCT).
Protein change: p.Ala1687fs; shifts the reading frame from alanine 1687.
Molecular consequence: frameshift variant.
Genome position (GRCh38, 1-based): chr15:44,585,696-44,585,699, AGCG deleted on the plus strand (CGCT on the coding strand, the reverse complement: SPG11 is on the minus strand); deleting any 4 consecutive bases within chr15:44,585,696-44,585,700 gives the same sequence; the c. name uses the placement nearest the transcript's 3' end. VCF-style (leftmost placement, unchanged base first): chr15-44585695-AAGCG-A. GRCh37 (hg19) VCF-style: chr15-44877893-AAGCG-A.
Other names: c.5058_5061del, p.Ala1687fs (NM_001160227.2); c.5057_5060delTCGC, p.Ala1687Trpfs (NM_001411132.1); short protein forms A1687fs.
Identifiers: ClinVar variation 2121028 (VCV002121028.4), dbSNP rs2505301305, ClinGen allele CA2580089477.
Genomic context (GRCh38, chr15:44,585,695, plus strand): 5'-CCTCTTTAATAACCAAGTTGTCCACAGGTAACTCAGCTAATTCTGCTACCCTCCTGGCCA[AAGCG>A]AATTGTCCATCTGTCTGCAGTCTTTCCAAAATAGATCTACATTCATGCTGAAGATTCTCA-3'